The following is an entry in ClinVar:

NM_181426.2(CCDC39):c.2768G>A (p.Arg923Lys)

Genes: CCDC39 (coiled-coil domain 39 molecular ruler complex subunit; minus strand), TTC14 (tetratricopeptide repeat domain 14; plus strand). Cytogenetic location: 3q26.33.
Variant type: single nucleotide variant.
Coding change: c.2768G>A on transcript NM_181426.2 (MANE Select); coding-DNA position 2768, G replaced by A.
Protein change: p.Arg923Lys; replaces arginine 923 with lysine.
Molecular consequence: missense variant. On other transcripts: intron variant (1).
Genome position (GRCh38, 1-based): chr3:180,614,979, C>T on the plus strand (G>A on the coding strand, the complement: CCDC39 is on the minus strand). VCF-style: chr3-180614979-C-T. GRCh37 (hg19) VCF-style: chr3-180332767-C-T.
Other names: c.1775-2401C>T (NM_001288582.2); short protein forms R923K.
Identifiers: ClinVar variation 4221220 (VCV004221220.1).

ClinVar aggregate classification (germline): Uncertain significance (1 of 4 stars; one submission).

Conditions:
Primary ciliary dyskinesia. Also called: Ciliary dyskinesia. Identifiers: Orphanet 244, MedGen C0008780, MONDO:0016575, HP:0012265.

Submission:

Ambry Genetics
Classification: Uncertain significance for Primary ciliary dyskinesia. Last evaluated: 2025-06-20. Review status: criteria provided, single submitter. Criteria: Ambry Variant Classification Scheme 2023. Collection method: clinical testing. Allele origin: germline.
Comment: The p.R923K variant (also known as c.2768G>A), located in coding exon 20 of the CCDC39 gene, results from a G to A substitution at nucleotide position 2768. The arginine at codon 923 is replaced by lysine, an amino acid with highly similar properties. This amino acid position is conserved. In addition, this alteration is predicted to be tolerated by in silico analysis. Based on the available evidence, the clinical significance of this variant remains unclear.